The following is an entry in ClinVar:

NM_032043.3(BRIP1):c.2165C>T (p.Thr722Ile)

Gene: BRIP1 (BRCA1 interacting DNA helicase 1; minus strand). Cytogenetic location: 17q23.2.
Variant type: single nucleotide variant.
Coding change: c.2165C>T on transcript NM_032043.3 (MANE Select); coding-DNA position 2165, C replaced by T.
Protein change: p.Thr722Ile; replaces threonine 722 with isoleucine.
Molecular consequence: missense variant.
Genome position (GRCh38, 1-based): chr17:61,744,524, G>A on the plus strand (C>T on the coding strand, the complement: BRIP1 is on the minus strand). VCF-style: chr17-61744524-G-A. GRCh37 (hg19) VCF-style: chr17-59821885-G-A.
Other names: short protein forms T722I.
Identifiers: ClinVar variation 820829 (VCV000820829.14), dbSNP rs1603304593, ClinGen allele CA400483132.

ClinVar aggregate classification (germline): Uncertain significance. Review status: criteria provided, multiple submitters, no conflicts (2 of 4 stars). 2 submissions from 2 submitters: Uncertain significance (2). Last evaluated 2025-03-27.

Conditions:
Hereditary cancer-predisposing syndrome. Also called: Hereditary Cancer Syndrome; Neoplastic Syndromes, Hereditary; Hereditary neoplastic syndrome; Tumor predisposition. Identifiers: Orphanet 140162, MedGen C0027672, MeSH D009386, MONDO:0015356.
Familial cancer of breast. Also called: Hereditary breast cancer; hereditary breast carcinoma; BREAST CANCER, FAMILIAL. Identifiers: Orphanet 227535, MedGen C0346153, MONDO:0016419, OMIM 114480. Disease mechanism: loss of function.
Fanconi anemia complementation group J. Also called: BRIP1-Related Fanconi Anemia. Identifiers: Orphanet 84, MedGen C1836860, MONDO:0012187, OMIM 609054.

Allele frequency attached by ClinVar (database versions not stated): gnomAD exomes below 0.00001.
gnomAD v4.1: 1 of 1,613,674 alleles (0.000062%); highest among the groups gnomAD compares: East Asian, 0.0022%; no homozygotes.

Submissions (2):

Labcorp Genetics (formerly Invitae), Labcorp
Classification: Uncertain significance for Familial cancer of breast; Fanconi anemia complementation group J. Last evaluated: 2025-03-27. Review status: criteria provided, single submitter. Criteria: Invitae Variant Classification Sherloc (09022015). Collection method: clinical testing. Allele origin: germline.
Comment: This sequence change replaces threonine, which is neutral and polar, with isoleucine, which is neutral and non-polar, at codon 722 of the BRIP1 protein (p.Thr722Ile). This variant is not present in population databases (gnomAD no frequency). This variant has not been reported in the literature in individuals affected with BRIP1-related conditions. ClinVar contains an entry for this variant (Variation ID: 820829). Invitae Evidence Modeling of protein sequence and biophysical properties (such as structural, functional, and spatial information, amino acid conservation, physicochemical variation, residue mobility, and thermodynamic stability) indicates that this missense variant is not expected to disrupt BRIP1 protein function with a negative predictive value of 95%. In summary, the available evidence is currently insufficient to determine the role of this variant in disease. Therefore, it has been classified as a Variant of Uncertain Significance.

Ambry Genetics
Classification: Uncertain significance for Hereditary cancer-predisposing syndrome. Last evaluated: 2024-03-21. Review status: criteria provided, single submitter. Criteria: Ambry Variant Classification Scheme 2023. Collection method: clinical testing. Allele origin: germline.
Comment: The p.T722I variant (also known as c.2165C>T), located in coding exon 14 of the BRIP1 gene, results from a C to T substitution at nucleotide position 2165. The threonine at codon 722 is replaced by isoleucine, an amino acid with similar properties. This amino acid position is highly conserved in available vertebrate species. In addition, this alteration is predicted to be deleterious by in silico analysis. Since supporting evidence is limited at this time, the clinical significance of this alteration remains unclear.